The following is an entry in ClinVar:

NM_001369268.1(ACAN):c.1514C>T (p.Ala505Val)

Gene: ACAN (aggrecan; plus strand). Cytogenetic location: 15q26.1.
Variant type: single nucleotide variant.
Coding change: c.1514C>T on transcript NM_001369268.1 (MANE Select); coding-DNA position 1514, C replaced by T.
Protein change: p.Ala505Val; replaces alanine 505 with valine.
Molecular consequence: missense variant.
Genome position (GRCh38, 1-based): chr15:88,847,327, C>T. VCF-style: chr15-88847327-C-T. GRCh37 (hg19) VCF-style: chr15-89390558-C-T.
Other names: c.1514C>T (NM_013227.3); c.1514C>T, p.Ala505Val (NM_001135.4, NM_013227.4); short protein forms A505V.
Identifiers: ClinVar variation 1479605 (VCV001479605.8), dbSNP rs887656896, ClinGen allele CA393710667.

ClinVar aggregate classification (germline): Uncertain significance. Review status: criteria provided, multiple submitters, no conflicts (2 of 4 stars). 2 submissions from 2 submitters: Uncertain significance (2). Last evaluated 2025-06-12.

Conditions:
ACAN-related disorder. Also called: ACAN-related condition; ACAN-related disorders.

Allele frequency attached by ClinVar (database versions not stated): gnomAD exomes 0.00001.
gnomAD v4.1: 8 of 1,580,650 alleles (0.00051%); highest among the groups gnomAD compares: South Asian, 0.0023%; no homozygotes.

Submissions (2):

Labcorp Genetics (formerly Invitae), Labcorp
Classification: Uncertain significance. Last evaluated: 2025-06-12. Review status: criteria provided, single submitter. Criteria: Invitae Variant Classification Sherloc (09022015). Collection method: clinical testing. Allele origin: germline.
Comment: This sequence change replaces alanine, which is neutral and non-polar, with valine, which is neutral and non-polar, at codon 505 of the ACAN protein (p.Ala505Val). The frequency data for this variant in the population databases is considered unreliable, as metrics indicate poor data quality at this position in the gnomAD database. This variant has not been reported in the literature in individuals affected with ACAN-related conditions. ClinVar contains an entry for this variant (Variation ID: 1479605). Invitae Evidence Modeling of protein sequence and biophysical properties (such as structural, functional, and spatial information, amino acid conservation, physicochemical variation, residue mobility, and thermodynamic stability) indicates that this missense variant is not expected to disrupt ACAN protein function with a negative predictive value of 80%. In summary, the available evidence is currently insufficient to determine the role of this variant in disease. Therefore, it has been classified as a Variant of Uncertain Significance.

PreventionGenetics, part of Exact Sciences
Classification: Uncertain significance for ACAN-related condition. Last evaluated: 2023-01-15. Review status: criteria provided, single submitter. Criteria: ACMG Guidelines, 2015. Collection method: clinical testing. Allele origin: germline.
Comment: The ACAN c.1514C>T variant is predicted to result in the amino acid substitution p.Ala505Val. To our knowledge, this variant has not been reported in the literature. This variant is reported in 0.0071% of alleles in individuals of East Asian descent in gnomAD. At this time, the clinical significance of this variant is uncertain due to the absence of conclusive functional and genetic evidence.